The following is an entry in ClinVar:

NM_004991.4(MECOM):c.1317T>G (p.Phe439Leu)

Gene: MECOM (MDS1 and EVI1 complex locus; minus strand). Cytogenetic location: 3q26.2.
Variant type: single nucleotide variant.
Coding change: c.1317T>G on transcript NM_004991.4 (MANE Select); coding-DNA position 1317, T replaced by G.
Protein change: p.Phe439Leu; replaces phenylalanine 439 with leucine.
Molecular consequence: missense variant. On other transcripts: intron variant (2).
Genome position (GRCh38, 1-based): chr3:169,116,555, A>C on the plus strand (T>G on the coding strand, the complement: MECOM is on the minus strand). VCF-style: chr3-169116555-A-C. GRCh37 (hg19) VCF-style: chr3-168834343-A-C.
Other names: c.948T>G, p.Phe316Leu (NM_001105077.4); c.753T>G, p.Phe251Leu (NM_001105078.4, NM_001164000.2, NM_001205194.2 and 4 more transcripts); c.756T>G, p.Phe252Leu (NM_001163999.2, NM_001366467.2, NM_001366468.2 and 1 more transcripts); c.1317T>G, p.Phe439Leu (NM_001366466.2); c.1133-788T>G (NM_001366473.2); c.569-788T>G (NM_001366474.2); short protein forms F251L, F252L, F439L, F316L.
Identifiers: ClinVar variation 2886069 (VCV002886069.3), dbSNP rs1475397577, ClinGen allele CA355063042.
Genomic context (GRCh38, chr3:169,116,555, plus strand): 5'-CATATTAACCATGGACGTTTTATCCATAGCTGGGGTTCCAGGAAGTGAAATGCCTTGGCC[A>C]AAAAATCCACCTGCCGCAAAATGGTTCTTGCCCTCACAAAACCTCCTGTGTTTATTTAAG-3'
Protein context (NP_004982.2, residues 429-449): GKNHFAAGGF[Phe439Leu]GQGISLPGTP

ClinVar aggregate classification (germline): Uncertain significance (1 of 4 stars; one submission).

Allele frequency attached by ClinVar (database versions not stated): TOPMed 0.00001; gnomAD exomes 0.00002.
gnomAD v4.1: 29 of 1,614,148 alleles (0.0018%); highest among the groups gnomAD compares: Middle Eastern, 0.016%; no homozygotes.

Submission:

Labcorp Genetics (formerly Invitae), Labcorp
Classification: Uncertain significance. Last evaluated: 2025-03-28. Review status: criteria provided, single submitter. Criteria: Invitae Variant Classification Sherloc (09022015). Collection method: clinical testing. Allele origin: germline.
Comment: This sequence change replaces phenylalanine, which is neutral and non-polar, with leucine, which is neutral and non-polar, at codon 251 of the MECOM protein (p.Phe251Leu). This variant is present in population databases (no rsID available, gnomAD 0.002%). This missense change has been observed in individual(s) with radioulnar synostosis with amegakaryocytic thrombocytopaenia (PMID: 37216690). ClinVar contains an entry for this variant (Variation ID: 2886069). An algorithm developed to predict the effect of missense changes on protein structure and function (PolyPhen-2) suggests that this variant is likely to be disruptive. In summary, the available evidence is currently insufficient to determine the role of this variant in disease. Therefore, it has been classified as a Variant of Uncertain Significance.

Literature cited by the submitters: PubMed 37216690.